The following is an entry in ClinVar:

ClinVar aggregate classification (germline): Uncertain significance (1 of 4 stars; one submission).

gnomAD v4.1: 5 of 1,614,104 alleles (0.00031%); highest among the groups gnomAD compares: East Asian, 0.0022%; no homozygotes.

Submission:

CeGaT Center for Human Genetics Tuebingen
Classification: Uncertain significance. Last evaluated: 2025-01-01. Review status: criteria provided, single submitter. Criteria: CeGaT Center For Human Genetics Tuebingen Variant Classification Criteria Version 2. Collection method: clinical testing. Allele origin: germline. Affected: yes. Observed: 1 variant allele.
Comment: SPTLC2: PP3

NM_004863.4(SPTLC2):c.1382A>G (p.Tyr461Cys)

Gene: SPTLC2 (serine palmitoyltransferase long chain base subunit 2; minus strand). Cytogenetic location: 14q24.3.
Variant type: single nucleotide variant.
Coding change: c.1382A>G on transcript NM_004863.4 (MANE Select); coding-DNA position 1382, A replaced by G.
Protein change: p.Tyr461Cys; replaces tyrosine 461 with cysteine.
Molecular consequence: missense variant.
Genome position (GRCh38, 1-based): chr14:77,521,503, T>C on the plus strand (A>G on the coding strand, the complement: SPTLC2 is on the minus strand). VCF-style: chr14-77521503-T-C. GRCh37 (hg19) VCF-style: chr14-77987846-T-C.
Other names: short protein forms Y461C.
Identifiers: ClinVar variation 3772306 (VCV003772306.13).